The following is an entry in ClinVar:

ClinVar aggregate classification (germline): Uncertain significance (1 of 4 stars; one submission).

Submission:

Labcorp Genetics (formerly Invitae), Labcorp
Classification: Uncertain significance. Last evaluated: 2024-08-23. Review status: criteria provided, single submitter. Criteria: Invitae Variant Classification Sherloc (09022015). Collection method: clinical testing. Allele origin: germline.
Comment: This sequence change replaces isoleucine, which is neutral and non-polar, with threonine, which is neutral and polar, at codon 1172 of the CDAN1 protein (p.Ile1172Thr). This variant is present in population databases (no rsID available, gnomAD 0.006%). This variant has not been reported in the literature in individuals affected with CDAN1-related conditions. An algorithm developed to predict the effect of missense changes on protein structure and function (PolyPhen-2) suggests that this variant is likely to be disruptive. In summary, the available evidence is currently insufficient to determine the role of this variant in disease. Therefore, it has been classified as a Variant of Uncertain Significance.

NM_138477.4(CDAN1):c.3515T>C (p.Ile1172Thr)

Gene: CDAN1 (codanin 1; minus strand). Cytogenetic location: 15q15.2.
Variant type: single nucleotide variant.
Coding change: c.3515T>C on transcript NM_138477.4 (MANE Select); coding-DNA position 3515, T replaced by C.
Protein change: p.Ile1172Thr; replaces isoleucine 1172 with threonine.
Molecular consequence: missense variant.
Genome position (GRCh38, 1-based): chr15:42,725,187, A>G on the plus strand (T>C on the coding strand, the complement: CDAN1 is on the minus strand). VCF-style: chr15-42725187-A-G. GRCh37 (hg19) VCF-style: chr15-43017385-A-G.
Other names: short protein forms I1172T.
Identifiers: ClinVar variation 3605785 (VCV003605785.2).